The following is an entry in ClinVar:

ClinVar aggregate classification (germline): Uncertain significance. Review status: criteria provided, single submitter (1 of 4 stars). 2 submissions from 2 submitters: Uncertain significance (1). 1 of the submissions does not count toward it. Last evaluated 2022-08-06.

Conditions:
Meckel-Gruber syndrome. Also called: DYSENCEPHALIA SPLANCHNOCYSTICA; GRUBER SYNDROME; Dysencephalia splachnocystica. Identifiers: Orphanet 564, MedGen C0265215, MONDO:0018921.
Joubert syndrome. Also called: CEREBELLOPARENCHYMAL DISORDER IV; JOUBERT-BOLTSHAUSER SYNDROME; Familial aplasia of the vermis. Identifiers: Orphanet 475, MedGen C5979921, MONDO:0018772.
Meckel syndrome, type 1 (MKS1). Also called: MECKEL-GRUBER SYNDROME, TYPE 1. Identifiers: Orphanet 564, MedGen C3714506, MONDO:0009571, OMIM 249000.

Allele frequency attached by ClinVar (database versions not stated): TOPMed below 0.00001; gnomAD 0.00001.
gnomAD v4.1: 4 of 1,614,074 alleles (0.00025%); highest among the groups gnomAD compares: Admixed American, 0.0067%; no homozygotes.

Submissions (2):

Labcorp Genetics (formerly Invitae), Labcorp
Classification: Uncertain significance for Joubert syndrome; Meckel-Gruber syndrome. Last evaluated: 2022-08-06. Review status: criteria provided, single submitter. Criteria: Invitae Variant Classification Sherloc (09022015). Collection method: clinical testing. Allele origin: germline.
Comment: This sequence change replaces lysine, which is basic and polar, with arginine, which is basic and polar, at codon 285 of the MKS1 protein (p.Lys285Arg). This variant is present in population databases (no rsID available, gnomAD 0.006%). This variant has not been reported in the literature in individuals affected with MKS1-related conditions. ClinVar contains an entry for this variant (Variation ID: 862934). Advanced modeling of protein sequence and biophysical properties (such as structural, functional, and spatial information, amino acid conservation, physicochemical variation, residue mobility, and thermodynamic stability) performed at Invitae indicates that this missense variant is not expected to disrupt MKS1 protein function. In summary, the available evidence is currently insufficient to determine the role of this variant in disease. Therefore, it has been classified as a Variant of Uncertain Significance.

Natera, Inc.
Classification: Uncertain significance for Meckel syndrome type 1. Last evaluated: 2021-03-01. Review status: no assertion criteria provided. Collection method: clinical testing. Allele origin: germline. Not counted in ClinVar's aggregate classification.

NM_017777.4(MKS1):c.854A>G (p.Lys285Arg)

Gene: MKS1 (MKS transition zone complex subunit 1; minus strand). Cytogenetic location: 17q22.
Variant type: single nucleotide variant.
Coding change: c.854A>G on transcript NM_017777.4 (MANE Select); coding-DNA position 854, A replaced by G.
Protein change: p.Lys285Arg; replaces lysine 285 with arginine.
Molecular consequence: missense variant.
Genome position (GRCh38, 1-based): chr17:58,212,986, T>C on the plus strand (A>G on the coding strand, the complement: MKS1 is on the minus strand). VCF-style: chr17-58212986-T-C. GRCh37 (hg19) VCF-style: chr17-56290347-T-C.
Other names: c.245A>G, p.Lys82Arg (NM_001321268.2); c.854A>G, p.Lys285Arg (NM_001321269.2, NM_001330397.2); short protein forms K285R, K82R.
Identifiers: ClinVar variation 862934 (VCV000862934.5), dbSNP rs1350256761, ClinGen allele CA400326338.